The following is an entry in ClinVar:

ClinVar aggregate classification (germline): Benign/Likely benign. Review status: criteria provided, multiple submitters, no conflicts (2 of 4 stars). 5 submissions from 5 submitters: Benign (3); Likely benign (2). Last evaluated 2025-12-30.

Allele frequency attached by ClinVar (database versions not stated): gnomAD 0.01935 and 0.01811; 1000 Genomes Project 0.01997; TOPMed 0.02022; 1000 Genomes Project 30x 0.02139; ExAC 0.01272; ESP Exome Variant Server 0.01562.
gnomAD v4.1: 6,235 of 1,564,126 alleles (0.4%); highest among the groups gnomAD compares: African/African-American, 6.1%; 151 homozygotes.

Submissions (5):

Labcorp Genetics (formerly Invitae), Labcorp
Classification: Benign. Last evaluated: 2025-12-30. Review status: criteria provided, single submitter. Criteria: Invitae Variant Classification Sherloc (09022015). Collection method: clinical testing. Allele origin: germline.

Athena Diagnostics
Classification: Benign. Last evaluated: 2019-06-26. Review status: criteria provided, single submitter. Criteria: Athena Diagnostics Criteria. Collection method: clinical testing. Allele origin: germline.

Center for Pediatric Genomic Medicine, Children's Mercy Hospital and Clinics
Classification: Likely benign. Last evaluated: 2016-04-25. Review status: criteria provided, single submitter. Criteria: ACMG Guidelines, 2015. Collection method: clinical testing. Allele origin: germline.
ClinVar note: Converted during submission from Likely Benign to Likely benign.

GeneDx
Classification: Benign. Last evaluated: 2016-03-03. Review status: criteria provided, single submitter. Criteria: GeneDx Variant Classification (06012015). Collection method: clinical testing. Allele origin: germline. Affected: yes.
Comment: This variant is considered likely benign or benign based on one or more of the following criteria: it is a conservative change, it occurs at a poorly conserved position in the protein, it is predicted to be benign by multiple in silico algorithms, and/or has population frequency not consistent with disease.

Breakthrough Genomics
Classification: Likely benign. Review status: criteria provided, single submitter. Criteria: ACMG Guidelines, 2015. Collection method: not provided. Allele origin: germline. Inheritance: Autosomal recessive inheritance. Affected: yes.

NM_032551.5(KISS1R):c.565G>A (p.Ala189Thr)

Gene: KISS1R (KISS1 receptor; plus strand). Cytogenetic location: 19p13.3.
Variant type: single nucleotide variant.
Coding change: c.565G>A on transcript NM_032551.5 (MANE Select); coding-DNA position 565, G replaced by A.
Protein change: p.Ala189Thr; replaces alanine 189 with threonine.
Molecular consequence: missense variant.
Genome position (GRCh38, 1-based): chr19:919,933, G>A. VCF-style: chr19-919933-G-A. GRCh37 (hg19) VCF-style: chr19-919933-G-A.
Other names: short protein forms A189T.
Identifiers: ClinVar variation 235657 (VCV000235657.13), dbSNP rs73507527, ClinGen allele CA9028803.
Genomic context (GRCh38, chr19:919,933, plus strand): 5'-GGCTCTGCGGCGGTGTCTGCGCCGGTGCTCGCCCTGCACCGCCTGTCACCCGGGCCGCGC[G>A]CCTACTGCAGTGAGGCCTTCCCCAGCCGCGCCCTGGAGCGCGCCTTCGCACTGTACAACC-3'
Protein context (NP_115940.2, residues 179-199): ALHRLSPGPR[Ala189Thr]YCSEAFPSRA